The following is an entry in ClinVar:

NM_001211.6(BUB1B):c.3137C>T (p.Ala1046Val)

Genes: BUB1B (BUB1 mitotic checkpoint serine/threonine kinase B; plus strand), BUB1B-PAK6 (BUB1B-PAK6 readthrough; plus strand). Cytogenetic location: 15q15.1.
Variant type: single nucleotide variant.
Coding change: c.3137C>T on transcript NM_001211.6 (MANE Select); coding-DNA position 3137, C replaced by T.
Protein change: p.Ala1046Val; replaces alanine 1046 with valine.
Molecular consequence: missense variant. On other transcripts: intron variant (2).
Genome position (GRCh38, 1-based): chr15:40,220,743, C>T. VCF-style: chr15-40220743-C-T. GRCh37 (hg19) VCF-style: chr15-40512944-C-T.
Other names: c.-201+3076C>T (NM_001128628.3); c.-118+3076C>T (NM_001128629.3); short protein forms A1046V.
Identifiers: ClinVar variation 3993707 (VCV003993707.1).
Genomic context (GRCh38, chr15:40,220,743, plus strand): 5'-CATTCCAAAGTCACCTGAACAAAGCCTTATGGAAGGTAGGGAAGTTAACTAGTCCTGGGG[C>T]TTTGCTCTTTCAGTGAGCTAGGCAATCAAGTCTCACAGATTGCTGCCTCAGAGCAATGGT-3'
Protein context (NP_001202.5, residues 1036-1050): WKVGKLTSPG[Ala1046Val]LLFQ

ClinVar aggregate classification (germline): Uncertain significance (1 of 4 stars; one submission).

Conditions:
Inborn genetic diseases. Identifiers: MedGen C0950123, MeSH D030342.

Submission:

Ambry Genetics
Classification: Uncertain significance for Inborn genetic diseases. Last evaluated: 2025-04-16. Review status: criteria provided, single submitter. Criteria: Ambry Variant Classification Scheme 2023. Collection method: clinical testing. Allele origin: germline.
Comment: The p.A1046V variant (also known as c.3137C>T), located in coding exon 23 of the BUB1B gene, results from a C to T substitution at nucleotide position 3137. The alanine at codon 1046 is replaced by valine, an amino acid with similar properties. This amino acid position is conserved. In addition, this alteration is predicted to be tolerated by in silico analysis. Based on the available evidence, the clinical significance of this variant remains unclear.